The following is an entry in ClinVar:

NM_018979.4(WNK1):c.7147T>A (p.Ter2383Lys)

Gene: WNK1 (WNK lysine deficient protein kinase 1; plus strand). Cytogenetic location: 12p13.33.
Variant type: single nucleotide variant.
Coding change: c.7147T>A on transcript NM_018979.4 (MANE Select); coding-DNA position 7147, T replaced by A.
Protein change: p.Ter2383Lys.
Molecular consequence: stop lost.
Genome position (GRCh38, 1-based): chr12:908,790, T>A. VCF-style: chr12-908790-T-A. GRCh37 (hg19) VCF-style: chr12-1017956-T-A.
Other names: c.7927T>A, p.Ter2643Lys (NM_001184985.2); c.6403T>A, p.Ter2135Lys (NM_014823.3); c.7903T>A, p.Ter2635Lys (NM_213655.5).
Identifiers: ClinVar variation 1445497 (VCV001445497.8), dbSNP rs55650617, ClinGen allele CA6383571.

ClinVar aggregate classification (germline): Uncertain significance. Review status: criteria provided, multiple submitters, no conflicts (2 of 4 stars). 2 submissions from 2 submitters: Uncertain significance (2). Last evaluated 2025-10-05.

Conditions:
Neuropathy, hereditary sensory and autonomic, type 2A (HSAN2A). Also called: ACROOSTEOLYSIS, GIACCAI TYPE; ACROOSTEOLYSIS, NEUROGENIC; MORVAN DISEASE; NEUROPATHY, CONGENITAL SENSORY; NEUROPATHY, HEREDITARY SENSORY RADICULAR, AUTOSOMAL RECESSIVE; NEUROPATHY, HEREDITARY SENSORY, TYPE IIA. Identifiers: Orphanet 970, MedGen C2752089, MONDO:0024309, OMIM 201300.
Pseudohypoaldosteronism type 2C (PHA2C). Also called: Pseudohypoaldosteronism Type IIC. Identifiers: Orphanet 757, Orphanet 88940, MedGen C1840391, MONDO:0013778, OMIM 614492.

Allele frequency attached by ClinVar (database versions not stated): gnomAD 0.00007 and 0.00015; ExAC 0.00008; gnomAD exomes 0.00012 and 0.00002; 1000 Genomes Project 30x 0.00141; 1000 Genomes Project 0.00180; TOPMed 0.00006.
gnomAD v4.1: 51 of 1,372,838 alleles (0.0037%); highest among the groups gnomAD compares: East Asian, 0.21%; no homozygotes.

Submissions (2):

Labcorp Genetics (formerly Invitae), Labcorp
Classification: Uncertain significance for Neuropathy, hereditary sensory and autonomic, type 2A; Pseudohypoaldosteronism type 2C. Last evaluated: 2025-10-05. Review status: criteria provided, single submitter. Criteria: Invitae Variant Classification Sherloc (09022015). Collection method: clinical testing. Allele origin: germline.
Comment: This sequence change disrupts the translational stop signal of the WNK1 mRNA. It is expected to extend the length of the WNK1 protein by 2 additional amino acid residues. This variant is present in population databases (rs55650617, gnomAD 0.1%). This variant has not been reported in the literature in individuals affected with WNK1-related conditions. ClinVar contains an entry for this variant (Variation ID: 1445497). Experimental studies and prediction algorithms are not available or were not evaluated, and the functional significance of this variant is currently unknown. In summary, the available evidence is currently insufficient to determine the role of this variant in disease. Therefore, it has been classified as a Variant of Uncertain Significance.

Fulgent Genetics
Classification: Uncertain significance for Neuropathy, hereditary sensory and autonomic, type 2A; Pseudohypoaldosteronism type 2C. Last evaluated: 2024-04-04. Review status: criteria provided, single submitter. Criteria: ACMG Guidelines, 2015. Collection method: clinical testing. Allele origin: germline.